The following is an entry in ClinVar:

ClinVar aggregate classification (germline): Uncertain significance (1 of 4 stars; one submission).

Conditions:
Myopathy, proximal, and ophthalmoplegia (CMYO6). Also called: INCLUSION BODY MYOPATHY 3, AUTOSOMAL DOMINANT; MYOPATHY WITH CONGENITAL JOINT CONTRACTURES, OPHTHALMOPLEGIA, AND RIMMED VACUOLES; CONGENITAL MYOPATHY 6 WITH OPHTHALMOPLEGIA. Identifiers: Orphanet 363677, Orphanet 79091, MedGen C1854106, MONDO:0011577, OMIM 605637.

gnomAD v4.1: 1 of 1,614,164 alleles (0.000062%); highest among the groups gnomAD compares: African/African-American, 0.0013%; no homozygotes.

Submission:

Labcorp Genetics (formerly Invitae), Labcorp
Classification: Uncertain significance for Myopathy, proximal, and ophthalmoplegia. Last evaluated: 2024-04-29. Review status: criteria provided, single submitter. Criteria: Invitae Variant Classification Sherloc (09022015). Collection method: clinical testing. Allele origin: germline.
Comment: This sequence change falls in intron 31 of the MYH2 gene. It does not directly change the encoded amino acid sequence of the MYH2 protein. This variant is not present in population databases (gnomAD no frequency). This variant has not been reported in the literature in individuals affected with MYH2-related conditions. Algorithms developed to predict the effect of sequence changes on RNA splicing suggest that this variant may disrupt the consensus splice site. In summary, the available evidence is currently insufficient to determine the role of this variant in disease. Therefore, it has been classified as a Variant of Uncertain Significance.

NM_017534.6(MYH2):c.4372-19A>G

Genes: MYHAS (myosin heavy chain gene cluster antisense RNA; plus strand), MYH2 (myosin heavy chain 2; minus strand), LOC126862500 (BRD4-independent group 4 enhancer GRCh37_chr17:10427829-10429028; plus strand). Cytogenetic location: 17p13.1.
Variant type: single nucleotide variant.
Coding change: c.4372-19A>G on transcript NM_017534.6 (MANE Select); 19 bases into the intron before coding-DNA position 4372, A replaced by G.
Molecular consequence: intron variant.
Genome position (GRCh38, 1-based): chr17:10,525,635, T>C on the plus strand (A>G on the coding strand, the complement: MYH2 is on the minus strand). VCF-style: chr17-10525635-T-C. GRCh37 (hg19) VCF-style: chr17-10428952-T-C.
Other names: c.4372-19A>G (NM_001100112.2).
Identifiers: ClinVar variation 3706833 (VCV003706833.2).
Genomic context (GRCh38, chr17:10,525,635, plus strand): 5'-AGCATGCGTTTCCTCACATTTCTGTTTCCATTCTGCCAGGATCTGAAAAACCAAGACCTG[T>C]TACCTGCTGCAAAGACAAAAGAGTAGAGTAAAGAGCAGAAGATGCTGGAGGAATTACCTT-3'